The following is an entry in ClinVar:

ClinVar aggregate classification (germline): Uncertain significance. Review status: criteria provided, multiple submitters, no conflicts (2 of 4 stars). 4 submissions from 4 submitters: Uncertain significance (4). Last evaluated 2025-09-05.

Conditions:
Familial thoracic aortic aneurysm and aortic dissection (TAAD). Also called: Thoracic aortic aneurysms and dissections. Identifiers: Orphanet 91387, MedGen C4707243, MONDO:0019625.
Marfan syndrome (MFS). Also called: Marfan syndrome type 1; Marfan syndrome, classic; Marfan's syndrome; FBN1-Related Marfan Syndrome; MARFAN SYNDROME, TYPE I. Identifiers: Orphanet 284963, Orphanet 558, MedGen C0024796, MONDO:0007947, OMIM 154700.

Allele frequency attached by ClinVar (database versions not stated): gnomAD exomes below 0.00001; ExAC 0.00001.
gnomAD v4.1: 2 of 1,612,750 alleles (0.00012%); highest among the groups gnomAD compares: Non-Finnish European, 0.00017%; no homozygotes.

Submissions (4):

Color Diagnostics, LLC DBA Color Health
Classification: Uncertain significance for Familial thoracic aortic aneurysm and aortic dissection. Last evaluated: 2025-09-05. Review status: criteria provided, single submitter. Criteria: ACMG Guidelines, 2015. Collection method: clinical testing. Allele origin: germline.
Comment: This missense variant replaces glycine with arginine at codon 1968 of the FBN1 protein. Computational prediction is inconclusive regarding the impact of this variant on protein structure and function. To our knowledge, functional studies have not been reported for this variant. This variant has not been reported in individuals affected with FBN1-related disorders in the literature. This variant has not been identified in the general population by the Genome Aggregation Database (gnomAD). The available evidence is insufficient to determine the role of this variant in disease conclusively. Therefore, this variant is classified as a Variant of Uncertain Significance.

All of Us Research Program, National Institutes of Health
Classification: Uncertain significance for Marfan syndrome. Last evaluated: 2023-06-28. Review status: criteria provided, single submitter. Criteria: ACMG Guidelines, 2015. Collection method: clinical testing. Allele origin: germline. Inheritance: Autosomal dominant inheritance. Observed: 2 variant alleles, 2 heterozygotes.
Comment: Variant of Uncertain Significance due to insufficient evidence: This missense variant is located in the calcium-binding EGF-like motif 33 of the FBN1 protein. Computational prediction tools and conservation analyses suggest that this variant may have deleterious impact on the protein function. Computational splicing tools suggest that this variant may not impact the RNA splicing. To our knowledge, functional assays have not been performed for this variant nor has this variant been reported in individuals affected with cardiovascular disorders in the literature. This variant is rare in the general population and has been identified in 1/245486 chromosomes by the Genome Aggregation Database (gnomAD). Available evidence is insufficient to determine the pathogenicity of this variant conclusively.

This study involves interpretation of variants in research participants for the purpose of population health screening. Participant phenotype was not available at the time of variant classification. Additional details can be found in publication PMID: 35346344, PMCID: PMC8962531

Labcorp Genetics (formerly Invitae), Labcorp
Classification: Uncertain significance for Marfan syndrome; Familial thoracic aortic aneurysm and aortic dissection. Last evaluated: 2022-09-03. Review status: criteria provided, single submitter. Criteria: Invitae Variant Classification Sherloc (09022015). Collection method: clinical testing. Allele origin: germline.
Comment: This sequence change replaces glycine, which is neutral and non-polar, with arginine, which is basic and polar, at codon 1968 of the FBN1 protein (p.Gly1968Arg). This variant is present in population databases (rs768997549, gnomAD 0.0009%). This variant has not been reported in the literature in individuals affected with FBN1-related conditions. ClinVar contains an entry for this variant (Variation ID: 519743). Advanced modeling of protein sequence and biophysical properties (such as structural, functional, and spatial information, amino acid conservation, physicochemical variation, residue mobility, and thermodynamic stability) performed at Invitae indicates that this missense variant is expected to disrupt FBN1 protein function. In summary, the available evidence is currently insufficient to determine the role of this variant in disease. Therefore, it has been classified as a Variant of Uncertain Significance.

Ambry Genetics
Classification: Uncertain significance for Familial thoracic aortic aneurysm and aortic dissection. Last evaluated: 2016-10-28. Review status: criteria provided, single submitter. Criteria: Ambry Variant Classification Scheme 2023. Collection method: clinical testing. Allele origin: germline.
Comment: The p.G1968R variant (also known as c.5902G>A), located in coding exon 47 of the FBN1 gene, results from a G to A substitution at nucleotide position 5902. The glycine at codon 1968 is replaced by arginine, an amino acid with dissimilar properties, and is located in the cb EGF-like #29 domain. Based on data from ExAC, the A allele has an overall frequency of <0.001% (1/121066). This variant was not reported in population based cohorts in the following databases: Database of Single Nucleotide Polymorphisms (dbSNP), NHLBI Exome Sequencing Project (ESP), and 1000 Genomes Project. In the ESP, this variant was not observed in 6494 samples (12988 alleles) with coverage at this position. This amino acid position is well conserved in available vertebrate species; however, arginine is the reference amino acid in other vertebrate species. In addition, the in silico prediction for this alteration is inconclusive. Since supporting evidence is limited at this time, the clinical significance of this alteration remains unclear.

NM_000138.5(FBN1):c.5902G>A (p.Gly1968Arg)

Gene: FBN1 (fibrillin 1; minus strand). Cytogenetic location: 15q21.1.
Variant type: single nucleotide variant.
Coding change: c.5902G>A on transcript NM_000138.5 (MANE Select); coding-DNA position 5902, G replaced by A.
Protein change: p.Gly1968Arg; replaces glycine 1968 with arginine.
Molecular consequence: missense variant.
Genome position (GRCh38, 1-based): chr15:48,445,391, C>T on the plus strand (G>A on the coding strand, the complement: FBN1 is on the minus strand). VCF-style: chr15-48445391-C-T. GRCh37 (hg19) VCF-style: chr15-48737588-C-T.
Other names: short protein forms G1968R.
Identifiers: ClinVar variation 519743 (VCV000519743.18), dbSNP rs768997549, ClinGen allele CA055795.